The following is an entry in ClinVar:

ClinVar aggregate classification (germline): Uncertain significance. Review status: criteria provided, multiple submitters, no conflicts (2 of 4 stars). 2 submissions from 2 submitters: Uncertain significance (2). Last evaluated 2025-12-02.

Conditions:
Hereditary cancer-predisposing syndrome. Also called: Neoplastic Syndromes, Hereditary; Tumor predisposition; Hereditary neoplastic syndrome; Hereditary Cancer Syndrome. Identifiers: Orphanet 140162, MedGen C0027672, MeSH D009386, MONDO:0015356.
Neuroblastoma, susceptibility to, 3. Also called: ALK-Related Neuroblastic Tumor Susceptibility. Identifiers: Orphanet 635, MedGen C2751681, MONDO:0013083, OMIM 613014.

Submissions (2):

Ambry Genetics
Classification: Uncertain significance for Hereditary cancer-predisposing syndrome. Last evaluated: 2025-12-02. Review status: criteria provided, single submitter. Criteria: Ambry Variant Classification Scheme 2023. Collection method: clinical testing. Allele origin: germline.
Comment: The p.L1397S variant (also known as c.4190T>C), located in coding exon 29 of the ALK gene, results from a T to C substitution at nucleotide position 4190. The leucine at codon 1397 is replaced by serine, an amino acid with dissimilar properties. This amino acid position is conserved. In addition, this alteration is predicted to be deleterious by in silico analysis. Based on the available evidence, the clinical significance of this variant remains unclear.

Labcorp Genetics (formerly Invitae), Labcorp
Classification: Uncertain significance for Neuroblastoma, susceptibility to, 3. Last evaluated: 2024-07-25. Review status: criteria provided, single submitter. Criteria: Invitae Variant Classification Sherloc (09022015). Collection method: clinical testing. Allele origin: germline.
Comment: This sequence change replaces leucine, which is neutral and non-polar, with serine, which is neutral and polar, at codon 1397 of the ALK protein (p.Leu1397Ser). This variant is not present in population databases (gnomAD no frequency). This variant has not been reported in the literature in individuals affected with ALK-related conditions. ClinVar contains an entry for this variant (Variation ID: 239832). An algorithm developed to predict the effect of missense changes on protein structure and function (PolyPhen-2) suggests that this variant is likely to be disruptive. In summary, the available evidence is currently insufficient to determine the role of this variant in disease. Therefore, it has been classified as a Variant of Uncertain Significance.

NM_004304.5(ALK):c.4190T>C (p.Leu1397Ser)

Gene: ALK (ALK receptor tyrosine kinase; minus strand). Cytogenetic location: 2p23.2.
Variant type: single nucleotide variant.
Coding change: c.4190T>C on transcript NM_004304.5 (MANE Select); coding-DNA position 4190, T replaced by C.
Protein change: p.Leu1397Ser; replaces leucine 1397 with serine.
Molecular consequence: missense variant.
Genome position (GRCh38, 1-based): chr2:29,193,897, A>G on the plus strand (T>C on the coding strand, the complement: ALK is on the minus strand). VCF-style: chr2-29193897-A-G. GRCh37 (hg19) VCF-style: chr2-29416763-A-G.
Other names: c.986T>C, p.Leu329Ser (NM_001353765.2); short protein forms L1397S, L329S.
Identifiers: ClinVar variation 239832 (VCV000239832.9), dbSNP rs878854656, ClinGen allele CA10581960.
Genomic context (GRCh38, chr2:29,193,897, plus strand): 5'-TCCTTGGGCCTCACAGGCACTTTCTCTTCCTCTTCCACAAGTGGACCATATTCTATCGGC[A>G]AAGCGGTGTTGATTACATCCGGGTCCTGCCGTAGGGGAAATTATTAAAACTTTGAATCAG-3'
Protein context (NP_004295.2, residues 1387-1407): TQDPDVINTA[Leu1397Ser]PIEYGPLVEE